The following is an entry in ClinVar:

NM_003722.5(TP63):c.677G>A (p.Arg226His)

Gene: TP63 (tumor protein p63; plus strand). Cytogenetic location: 3q28.
Variant type: single nucleotide variant.
Coding change: c.677G>A on transcript NM_003722.5 (MANE Select); coding-DNA position 677, G replaced by A.
Protein change: p.Arg226His; replaces arginine 226 with histidine.
Molecular consequence: missense variant.
Genome position (GRCh38, 1-based): chr3:189,864,329, G>A. VCF-style: chr3-189864329-G-A. GRCh37 (hg19) VCF-style: chr3-189582118-G-A.
Other names: c.677G>A, p.Arg226His (NM_001329148.2, NM_001114978.2, NM_001114979.2 and 1 more transcripts); c.395G>A, p.Arg132His (NM_001329149.2, NM_001114980.2, NM_001114981.2 and 2 more transcripts); c.140G>A, p.Arg47His (NM_001329150.2, NM_001329146.2); c.671G>A, p.Arg224His (NM_001329964.2); short protein forms R132H, R226H, R224H, R47H.
Identifiers: ClinVar variation 161514 (VCV000161514.4), dbSNP rs193921145, ClinGen allele CA174179.

ClinVar aggregate classification (germline): Uncertain significance. Review status: criteria provided, single submitter (1 of 4 stars). 2 submissions from 2 submitters: Uncertain significance (1). 1 of the submissions does not count toward it. Last evaluated 2023-12-16.

Conditions:
TP63-Related Spectrum Disorders.
Prostate cancer. Also called: Malignant tumor of prostate. Identifiers: Orphanet 1331, MedGen C0376358, MONDO:0008315, HP:0012125.

Allele frequency attached by ClinVar (database versions not stated): gnomAD exomes below 0.00001; gnomAD 0.00001; TOPMed below 0.00001; ExAC 0.00001.
gnomAD v4.1: 5 of 1,613,950 alleles (0.00031%); highest among the groups gnomAD compares: Non-Finnish European, 0.00042%; no homozygotes.

Submissions (2):

Labcorp Genetics (formerly Invitae), Labcorp
Classification: Uncertain significance. Last evaluated: 2023-12-16. Review status: criteria provided, single submitter. Criteria: Invitae Variant Classification Sherloc (09022015). Collection method: clinical testing. Allele origin: germline.
Comment: This sequence change replaces arginine, which is basic and polar, with histidine, which is basic and polar, at codon 226 of the TP63 protein (p.Arg226His). This variant is present in population databases (rs193921145, gnomAD 0.0009%). This variant has not been reported in the literature in individuals affected with TP63-related conditions. ClinVar contains an entry for this variant (Variation ID: 161514). Advanced modeling of protein sequence and biophysical properties (such as structural, functional, and spatial information, amino acid conservation, physicochemical variation, residue mobility, and thermodynamic stability) performed at Invitae indicates that this missense variant is expected to disrupt TP63 protein function with a positive predictive value of 95%. In summary, the available evidence is currently insufficient to determine the role of this variant in disease. Therefore, it has been classified as a Variant of Uncertain Significance.

Science for Life laboratory,  Karolinska Institutet
Classification: Uncertain significance for Malignant tumor of prostate. Review status: no assertion criteria provided. Collection method: not provided. Allele origin: somatic. Not counted in ClinVar's aggregate classification.
Comment: TumorID:SWE-92C
ClinVar note: Converted during submission from Unknown to Uncertain significance.